The following is an entry in ClinVar:

NM_201596.3(CACNB2):c.479T>C (p.Ile160Thr)

Gene: CACNB2 (calcium voltage-gated channel auxiliary subunit beta 2; plus strand). Cytogenetic location: 10p12.31.
Variant type: single nucleotide variant.
Coding change: c.479T>C on transcript NM_201596.3 (MANE Select); coding-DNA position 479, T replaced by C.
Protein change: p.Ile160Thr; replaces isoleucine 160 with threonine.
Molecular consequence: missense variant.
Genome position (GRCh38, 1-based): chr10:18,500,834, T>C. VCF-style: chr10-18500834-T-C. GRCh37 (hg19) VCF-style: chr10-18789763-T-C.
Other names: c.314T>C, p.Ile105Thr (NM_000724.4, NM_001330060.2); c.395T>C, p.Ile132Thr (NM_001167945.2, NM_201571.4, NM_201572.4); c.335T>C, p.Ile112Thr (NM_001410882.1, NM_201570.3); c.317T>C, p.Ile106Thr (NM_201590.3); c.479T>C, p.Ile160Thr (NM_201593.3, NM_201597.3); short protein forms I106T, I112T, I160T, I105T, I132T.
Identifiers: ClinVar variation 2562824 (VCV002562824.2), dbSNP rs2494362832, ClinGen allele CA376057553.

ClinVar aggregate classification (germline): Uncertain significance (1 of 4 stars; one submission).

Conditions:
Cardiovascular phenotype. Identifiers: MedGen CN230736.

Submission:

Ambry Genetics
Classification: Uncertain significance for Cardiovascular phenotype. Last evaluated: 2023-05-04. Review status: criteria provided, single submitter. Criteria: Ambry Variant Classification Scheme 2023. Collection method: clinical testing. Allele origin: germline.
Comment: The p.I106T variant (also known as c.317T>C), located in coding exon 4 of the CACNB2 gene, results from a T to C substitution at nucleotide position 317. The isoleucine at codon 106 is replaced by threonine, an amino acid with similar properties. This amino acid position is conserved. In addition, this alteration is predicted to be deleterious by in silico analysis. Since supporting evidence is limited at this time, the clinical significance of this alteration remains unclear.